The following is an entry in ClinVar:

NM_001005273.3(CHD3):c.1099G>A (p.Gly367Arg)

Genes: CHD3 (chromodomain helicase DNA binding protein 3; plus strand), LOC126862484 (CDK7 strongly-dependent group 2 enhancer GRCh37_chr17:7797066-7798265; plus strand). Cytogenetic location: 17p13.1.
Variant type: single nucleotide variant.
Coding change: c.1099G>A on transcript NM_001005273.3 (MANE Select); coding-DNA position 1099, G replaced by A.
Protein change: p.Gly367Arg; replaces glycine 367 with arginine.
Molecular consequence: missense variant.
Genome position (GRCh38, 1-based): chr17:7,894,438, G>A. VCF-style: chr17-7894438-G-A. GRCh37 (hg19) VCF-style: chr17-7797756-G-A.
Other names: c.1276G>A, p.Gly426Arg (NM_001005271.3); c.1099G>A, p.Gly367Arg (NM_005852.4); c.1276G>A (NM_001005271.2); short protein forms G367R, G426R.
Identifiers: ClinVar variation 2664531 (VCV002664531.3), dbSNP rs768307299.
Genomic context (GRCh38, chr17:7,894,438, plus strand): 5'-CCCTGCTTCCTTATCCCTCCACCGGGGTATATGACAGTCCTGGGCTGTCCTGCAGTGGCC[G>A]GGGAGGAGGAGGTTGATGGCTACGAGACGGATCACCAGGATTACTGTGAGGTGTGCCAGC-3'
Protein context (NP_001005273.1, residues 357-377): KKVLGCPAVA[Gly367Arg]EEEVDGYETD

ClinVar aggregate classification (germline): Uncertain significance. Review status: criteria provided, single submitter (1 of 4 stars). 2 submissions from 2 submitters: Uncertain significance (1). 1 of the submissions does not count toward it. Last evaluated 2025-05-28.

Conditions:
CHD3-related disorder. Also called: CHD3-related condition.

Allele frequency attached by ClinVar (database versions not stated): ExAC 0.00004; TOPMed 0.00005; gnomAD 0.00006; gnomAD exomes 0.00006.
gnomAD v4.1: 98 of 1,613,572 alleles (0.0061%); highest among the groups gnomAD compares: South Asian, 0.046%; no homozygotes.

Submissions (2):

PreventionGenetics, part of Exact Sciences
Classification: Uncertain significance for CHD3-related condition. Last evaluated: 2025-05-28. Review status: criteria provided, single submitter. Criteria: ACMG Guidelines, 2015. Collection method: clinical testing. Allele origin: germline.
Comment: The CHD3 c.1276G>A variant is predicted to result in the amino acid substitution p.Gly426Arg. To our knowledge, this variant has not been reported in the literature. This variant is reported in 0.023% of alleles in individuals of South Asian descent in gnomAD. Although we suspect that this variant may be benign, at this time, the clinical significance of this variant is uncertain due to the absence of conclusive functional and genetic evidence.

Genetics and Genomic Medicine Centre, NeuroGen Healthcare, NeuroGen Healthcare
Classification: Uncertain significance. Last evaluated: 2021-06-06. Review status: no assertion criteria provided. Collection method: clinical testing. Allele origin: unknown. Affected: yes. Not counted in ClinVar's aggregate classification.